The following is an entry in ClinVar:

NM_001378789.1(CERS3):c.632A>T (p.His211Leu)

Gene: CERS3 (ceramide synthase 3; minus strand). Cytogenetic location: 15q26.3.
Variant type: single nucleotide variant.
Coding change: c.632A>T on transcript NM_001378789.1 (MANE Select); coding-DNA position 632, A replaced by T.
Protein change: p.His211Leu; replaces histidine 211 with leucine.
Molecular consequence: missense variant.
Genome position (GRCh38, 1-based): chr15:100,473,030, T>A on the plus strand (A>T on the coding strand, the complement: CERS3 is on the minus strand). VCF-style: chr15-100473030-T-A. GRCh37 (hg19) VCF-style: chr15-101013235-T-A.
Other names: c.665A>T, p.His222Leu (NM_001290341.2); c.632A>T, p.His211Leu (NM_001290342.2, NM_001290343.2, NM_178842.5); short protein forms H222L, H211L.
Identifiers: ClinVar variation 2585612 (VCV002585612.1), dbSNP rs2549116397, ClinGen allele CA393941225.

ClinVar aggregate classification (germline): Uncertain significance (1 of 4 stars; one submission).

Conditions:
Autosomal recessive congenital ichthyosis 9 (ARCI9). Identifiers: Orphanet 79394, MedGen C3554349, MONDO:0014010, OMIM 615023.

Submission:

Neuberg Centre For Genomic Medicine, NCGM
Classification: Uncertain significance for Autosomal recessive congenital ichthyosis 9. Review status: criteria provided, single submitter. Criteria: ACMG Guidelines, 2015. Collection method: clinical testing. Allele origin: germline. Inheritance: Autosomal recessive inheritance. Affected: yes.
Comment: The missense variant c.632A>T (p.His211Leu) in CERS3 gene has not been reported previously as a pathogenic variant nor as a benign variant, to our knowledge. The p.His211Leu variant is novel (not in any individuals) in gnomAD Exomes and is novel (not in any individuals) in 1000 Genomes. This variant has not been reported to the ClinVar database. The amino acid His at position 211 is changed to a Leu changing protein sequence and it might alter its composition and physico-chemical properties. The amino acid change p.His211Leu in CERS3 is predicted as conserved by GERP++ and PhyloP across 100 vertebrates. For these reasons, this variant has been classified as Uncertain Significance (VUS).